The following is an entry in ClinVar:

NM_000083.3(CLCN1):c.2161G>A (p.Gly721Ser)

Gene: CLCN1 (chloride voltage-gated channel 1; plus strand). Cytogenetic location: 7q34.
Variant type: single nucleotide variant.
Coding change: c.2161G>A on transcript NM_000083.3 (MANE Select); coding-DNA position 2161, G replaced by A.
Protein change: p.Gly721Ser; replaces glycine 721 with serine.
Molecular consequence: missense variant. On other transcripts: non-coding transcript variant (1).
Genome position (GRCh38, 1-based): chr7:143,345,751, G>A. VCF-style: chr7-143345751-G-A. GRCh37 (hg19) VCF-style: chr7-143042844-G-A.
Other names: short protein forms G721S.
Identifiers: ClinVar variation 1387680 (VCV001387680.6), dbSNP rs1300665013, ClinGen allele CA369650763.

ClinVar aggregate classification (germline): Uncertain significance (1 of 4 stars; one submission).

Conditions:
Congenital myotonia, autosomal recessive form. Also called: BECKER DISEASE; Becker Generalized Myotonia; myotonia congenita, autosomal recessive. Identifiers: Orphanet 614, MedGen C0751360, MONDO:0009715, OMIM 255700.
Congenital myotonia, autosomal dominant form (THD). Also called: THOMSEN DISEASE; Myotonia congenita autosomal dominant. Identifiers: Orphanet 614, MedGen C2936781, MONDO:0008055, OMIM 160800.

Allele frequency attached by ClinVar (database versions not stated): TOPMed 0.00001; gnomAD exomes below 0.00001.
gnomAD v4.1: 3 of 1,605,006 alleles (0.00019%); highest among the groups gnomAD compares: Non-Finnish European, 0.00025%; no homozygotes.

Submission:

Labcorp Genetics (formerly Invitae), Labcorp
Classification: Uncertain significance for Congenital myotonia, autosomal recessive form; Congenital myotonia, autosomal dominant form. Last evaluated: 2022-11-22. Review status: criteria provided, single submitter. Criteria: Invitae Variant Classification Sherloc (09022015). Collection method: clinical testing. Allele origin: germline.
Comment: This variant is not present in population databases (gnomAD no frequency). This sequence change replaces glycine, which is neutral and non-polar, with serine, which is neutral and polar, at codon 721 of the CLCN1 protein (p.Gly721Ser). This variant has not been reported in the literature in individuals affected with CLCN1-related conditions. In summary, the available evidence is currently insufficient to determine the role of this variant in disease. Therefore, it has been classified as a Variant of Uncertain Significance. Advanced modeling of protein sequence and biophysical properties (such as structural, functional, and spatial information, amino acid conservation, physicochemical variation, residue mobility, and thermodynamic stability) performed at Invitae indicates that this missense variant is not expected to disrupt CLCN1 protein function. ClinVar contains an entry for this variant (Variation ID: 1387680).